The following is an entry in ClinVar:

NM_001080467.3(MYO5B):c.5080_5081del (p.Thr1693_Leu1694insTer)

Genes: MYO5B (myosin VB; minus strand), SNHG22 (small nucleolar RNA host gene 22; plus strand). Cytogenetic location: 18q21.1.
Variant type: Microsatellite.
Coding change: c.5080_5081del on transcript NM_001080467.3 (MANE Select); coding-DNA positions 5080 to 5081, 2 bases deleted (CT; older notation c.5080_5081delCT).
Protein change: p.Thr1693_Leu1694insTer.
Molecular consequence: nonsense.
Genome position (GRCh38, 1-based): chr18:49,837,574-49,837,575, AG deleted on the plus strand (CT on the coding strand, the reverse complement: MYO5B is on the minus strand); deleting any 2 consecutive bases within chr18:49,837,574-49,837,577 gives the same sequence; the c. name uses the placement nearest the transcript's 3' end. VCF-style (leftmost placement, unchanged base first): chr18-49837573-AAG-A. GRCh37 (hg19) VCF-style: chr18-47363943-AAG-A.
Identifiers: ClinVar variation 4765415 (VCV004765415.1).

ClinVar aggregate classification (germline): Pathogenic (1 of 4 stars; one submission).

Submission:

Labcorp Genetics (formerly Invitae), Labcorp
Classification: Pathogenic. Last evaluated: 2025-10-29. Review status: criteria provided, single submitter. Criteria: Invitae Variant Classification Sherloc (09022015). Collection method: clinical testing. Allele origin: germline.
Comment: This sequence change creates a premature translational stop signal (p.Leu1694*) in the MYO5B gene. It is expected to result in an absent or disrupted protein product. Loss-of-function variants in MYO5B are known to be pathogenic (PMID: 18724368, 20186687). This variant is not present in population databases (gnomAD no frequency). This variant has not been reported in the literature in individuals affected with MYO5B-related conditions. For these reasons, this variant has been classified as Pathogenic.

Literature cited by the submitters: PubMed 18724368; PubMed 20186687.